The following is an entry in ClinVar:

ClinVar aggregate classification (germline): Uncertain significance (1 of 4 stars; one submission).

Conditions:
Luscan-Lumish syndrome. Identifiers: Orphanet 597738, MedGen C4085873, MONDO:0014791, OMIM 616831.

Allele frequency attached by ClinVar (database versions not stated): ExAC 0.00001; gnomAD exomes 0.00001.
gnomAD v4.1: 8 of 1,614,180 alleles (0.0005%); highest among the groups gnomAD compares: South Asian, 0.0022%; no homozygotes.

Submission:

Labcorp Genetics (formerly Invitae), Labcorp
Classification: Uncertain significance for Luscan-Lumish syndrome. Last evaluated: 2022-07-26. Review status: criteria provided, single submitter. Criteria: Invitae Variant Classification Sherloc (09022015). Collection method: clinical testing. Allele origin: germline.
Comment: This variant is present in population databases (rs757184844, gnomAD 0.006%). In summary, the available evidence is currently insufficient to determine the role of this variant in disease. Therefore, it has been classified as a Variant of Uncertain Significance. Algorithms developed to predict the effect of missense changes on protein structure and function (SIFT, PolyPhen-2, Align-GVGD) all suggest that this variant is likely to be tolerated. ClinVar contains an entry for this variant (Variation ID: 841695). This variant has not been reported in the literature in individuals affected with SETD2-related conditions. This sequence change replaces arginine, which is basic and polar, with glycine, which is neutral and non-polar, at codon 726 of the SETD2 protein (p.Arg726Gly).

NM_014159.7(SETD2):c.2176A>G (p.Arg726Gly)

Gene: SETD2 (SET domain containing 2, histone lysine methyltransferase; minus strand). Cytogenetic location: 3p21.31.
Variant type: single nucleotide variant.
Coding change: c.2176A>G on transcript NM_014159.7 (MANE Select); coding-DNA position 2176, A replaced by G.
Protein change: p.Arg726Gly; replaces arginine 726 with glycine.
Molecular consequence: missense variant. On other transcripts: non-coding transcript variant (1).
Genome position (GRCh38, 1-based): chr3:47,122,460, T>C on the plus strand (A>G on the coding strand, the complement: SETD2 is on the minus strand). VCF-style: chr3-47122460-T-C. GRCh37 (hg19) VCF-style: chr3-47163950-T-C.
Other names: c.2044A>G, p.Arg682Gly (NM_001349370.3); short protein forms R682G, R726G.
Identifiers: ClinVar variation 841695 (VCV000841695.6), dbSNP rs757184844, ClinGen allele CA2363574.